The following is an entry in ClinVar:

NM_015909.4(NBAS):c.4309T>C (p.Trp1437Arg)

Gene: NBAS (NBAS subunit of NRZ tethering complex; minus strand). Cytogenetic location: 2p24.3.
Variant type: single nucleotide variant.
Coding change: c.4309T>C on transcript NM_015909.4 (MANE Select); coding-DNA position 4309, T replaced by C.
Protein change: p.Trp1437Arg; replaces tryptophan 1437 with arginine.
Molecular consequence: missense variant. On other transcripts: non-coding transcript variant (1).
Genome position (GRCh38, 1-based): chr2:15,330,636, A>G on the plus strand (T>C on the coding strand, the complement: NBAS is on the minus strand). VCF-style: chr2-15330636-A-G. GRCh37 (hg19) VCF-style: chr2-15470760-A-G.
Other names: short protein forms W1437R.
Identifiers: ClinVar variation 1419755 (VCV001419755.8), dbSNP rs2148233147, ClinGen allele CA345881423.

ClinVar aggregate classification (germline): Uncertain significance (1 of 4 stars; one submission).

gnomAD v4.1: 4 of 1,614,040 alleles (0.00025%); highest among the groups gnomAD compares: Non-Finnish European, 0.00034%; no homozygotes.

Submission:

Labcorp Genetics (formerly Invitae), Labcorp
Classification: Uncertain significance. Last evaluated: 2020-12-20. Review status: criteria provided, single submitter. Criteria: Invitae Variant Classification Sherloc (09022015). Collection method: clinical testing. Allele origin: germline.
Comment: This variant has not been reported in the literature in individuals with NBAS-related conditions. Algorithms developed to predict the effect of missense changes on protein structure and function (SIFT, PolyPhen-2, Align-GVGD) all suggest that this variant is likely to be disruptive, but these predictions have not been confirmed by published functional studies and their clinical significance is uncertain. In summary, the available evidence is currently insufficient to determine the role of this variant in disease. Therefore, it has been classified as a Variant of Uncertain Significance. This sequence change replaces tryptophan with arginine at codon 1437 of the NBAS protein (p.Trp1437Arg). The tryptophan residue is highly conserved and there is a moderate physicochemical difference between tryptophan and arginine. This variant is not present in population databases (ExAC no frequency).